The following is an entry in ClinVar:

NM_153700.2(STRC):c.4124T>G (p.Leu1375Arg)

Gene: STRC (stereocilin; minus strand). Cytogenetic location: 15q15.3.
Variant type: single nucleotide variant.
Coding change: c.4124T>G on transcript NM_153700.2 (MANE Select); coding-DNA position 4124, T replaced by G.
Protein change: p.Leu1375Arg; replaces leucine 1375 with arginine.
Molecular consequence: missense variant.
Genome position (GRCh38, 1-based): chr15:43,604,653, A>C on the plus strand (T>G on the coding strand, the complement: STRC is on the minus strand). VCF-style: chr15-43604653-A-C. GRCh37 (hg19) VCF-style: chr15-43896851-A-C.
Other names: short protein forms L1375R.
Identifiers: ClinVar variation 4277316 (VCV004277316.1).

ClinVar aggregate classification (germline): Uncertain significance (1 of 4 stars; one submission).

Conditions:
Monogenic hearing loss.

gnomAD v4.1: 5 of 1,613,652 alleles (0.00031%); highest among the groups gnomAD compares: Non-Finnish European, 0.00042%; no homozygotes.

Submission:

Genetics Laboratory, Great Ormond Street Hospital NHS Foundation Trust, North Thames Genomic Laboratory Hub
Classification: Uncertain significance for Monogenic hearing loss. Last evaluated: 2025-08-05. Review status: criteria provided, single submitter. Criteria: ACGS Best Practice Guidelines for Variant Classification in Rare Disease 2024 v1.2. Collection method: clinical testing. Allele origin: germline. Affected: yes.
Comment: PM2_moderate, PM3_moderate